The following is an entry in ClinVar:

ClinVar aggregate classification (germline): Likely pathogenic. Review status: criteria provided, multiple submitters, no conflicts (2 of 4 stars). 2 submissions from 2 submitters: Likely pathogenic (2). Last evaluated 2024-05-16.

Conditions:
Familial hypokalemia-hypomagnesemia (GTLMNS). Also called: HYPOMAGNESEMIA-HYPOKALEMIA, PRIMARY RENOTUBULAR, WITH HYPOCALCIURIA; POTASSIUM AND MAGNESIUM DEPLETION; gitelman syndrome. Identifiers: Orphanet 358, MedGen C0268450, MONDO:0009904, OMIM 263800.

Submissions (2):

Fulgent Genetics
Classification: Likely pathogenic for Familial hypokalemia-hypomagnesemia. Last evaluated: 2024-05-16. Review status: criteria provided, single submitter. Criteria: ACMG Guidelines, 2015. Collection method: clinical testing. Allele origin: germline.

Women's Health and Genetics/Laboratory Corporation of America, LabCorp
Classification: Likely pathogenic for Familial hypokalemia-hypomagnesemia. Last evaluated: 2024-05-15. Review status: criteria provided, single submitter. Criteria: LabCorp Variant Classification Summary - May 2015. Collection method: clinical testing. Allele origin: germline.
Comment: Variant summary: SLC12A3 c.2186G>C (p.Gly729Ala) results in a non-conservative amino acid change located in the SLC12A transporter, C-terminal domain (IPR018491) of the encoded protein sequence. Five of five in-silico tools predict a damaging effect of the variant on protein function. The variant was absent in 251092 control chromosomes (gnomAD). c.2186G>C has been reported in the literature in at least two compound heterozygous individuals affected with Gitelman syndrome (e.g., Vargas-Poussou_2011, Hureaux_2019). These data indicate that the variant may be associated with disease. To our knowledge, no experimental evidence demonstrating an impact on protein function has been reported. The following publications have been ascertained in the context of this evaluation (PMID: 31672324, 21415153). No submitters have cited clinical-significance assessments for this variant to ClinVar. Additionally, a different missense variant affecting the same codon, c.2186G>T (p.Gly729Val), has been reported in the literature in multiple individuals affected with Gitelman syndrome (PMID: 11168953) and classified as pathogenic/likely pathogenic in ClinVar. Based on the evidence outlined above, the variant was classified as likely pathogenic.

Literature cited by the submitters: PubMed 31672324 (cited by Women's Health and Genetics/Laboratory Corporation of America, LabCorp); PubMed 21415153 (cited by Women's Health and Genetics/Laboratory Corporation of America, LabCorp).

NM_001126108.2(SLC12A3):c.2186G>C (p.Gly729Ala)

Gene: SLC12A3 (solute carrier family 12 member 3; plus strand). Cytogenetic location: 16q13.
Variant type: single nucleotide variant.
Coding change: c.2186G>C on transcript NM_001126108.2 (MANE Select); coding-DNA position 2186, G replaced by C.
Protein change: p.Gly729Ala; replaces glycine 729 with alanine.
Molecular consequence: missense variant.
Genome position (GRCh38, 1-based): chr16:56,887,932, G>C. VCF-style: chr16-56887932-G-C. GRCh37 (hg19) VCF-style: chr16-56921844-G-C.
Other names: c.2186G>C, p.Gly729Ala (NM_000339.3); c.2183G>C, p.Gly728Ala (NM_001126107.2, NM_001410896.1); short protein forms G728A, G729A.
Identifiers: ClinVar variation 3336574 (VCV003336574.3).